The following is an entry in ClinVar:

NM_001130144.3(LTBP3):c.398C>G (p.Pro133Arg)

Gene: LTBP3 (latent transforming growth factor beta binding protein 3; minus strand). Cytogenetic location: 11q13.1.
Variant type: single nucleotide variant.
Coding change: c.398C>G on transcript NM_001130144.3 (MANE Select); coding-DNA position 398, C replaced by G.
Protein change: p.Pro133Arg; replaces proline 133 with arginine.
Molecular consequence: missense variant.
Genome position (GRCh38, 1-based): chr11:65,554,314, G>C on the plus strand (C>G on the coding strand, the complement: LTBP3 is on the minus strand). VCF-style: chr11-65554314-G-C. GRCh37 (hg19) VCF-style: chr11-65321785-G-C.
Other names: c.47C>G, p.Pro16Arg (NM_001164266.1); c.398C>G, p.Pro133Arg (NM_021070.4); short protein forms P133R, P16R.
Identifiers: ClinVar variation 2818116 (VCV002818116.3), dbSNP rs1565101783, ClinGen allele CA381276697.

ClinVar aggregate classification (germline): Uncertain significance (1 of 4 stars; one submission).

Conditions:
Brachyolmia-amelogenesis imperfecta syndrome. Also called: PLATYSPONDYLY WITH AMELOGENESIS IMPERFECTA; Tooth agenesis, selective, 6; Dental anomalies and short stature. Identifiers: Orphanet 2899, MedGen C1832594, MONDO:0011018, OMIM 601216. Disease mechanism: loss of function.

gnomAD v4.1: 2 of 1,611,920 alleles (0.00012%); highest among the groups gnomAD compares: Non-Finnish European, 0.00017%; no homozygotes.

Submission:

Labcorp Genetics (formerly Invitae), Labcorp
Classification: Uncertain significance for Brachyolmia-amelogenesis imperfecta syndrome. Last evaluated: 2022-12-03. Review status: criteria provided, single submitter. Criteria: Invitae Variant Classification Sherloc (09022015). Collection method: clinical testing. Allele origin: germline.
Comment: In summary, the available evidence is currently insufficient to determine the role of this variant in disease. Therefore, it has been classified as a Variant of Uncertain Significance. Algorithms developed to predict the effect of missense changes on protein structure and function are either unavailable or do not agree on the potential impact of this missense change (SIFT: "Deleterious"; PolyPhen-2: "Probably Damaging"; Align-GVGD: "Class C0"). This variant has not been reported in the literature in individuals affected with LTBP3-related conditions. This variant is not present in population databases (gnomAD no frequency). This sequence change replaces proline, which is neutral and non-polar, with arginine, which is basic and polar, at codon 133 of the LTBP3 protein (p.Pro133Arg).